The following is an entry in ClinVar:

NM_000180.4(GUCY2D):c.1093C>T (p.Arg365Trp)

Gene: GUCY2D (guanylate cyclase 2D, retinal; plus strand). Cytogenetic location: 17p13.1.
Variant type: single nucleotide variant.
Coding change: c.1093C>T on transcript NM_000180.4 (MANE Select); coding-DNA position 1093, C replaced by T.
Protein change: p.Arg365Trp; replaces arginine 365 with tryptophan.
Molecular consequence: missense variant.
Genome position (GRCh38, 1-based): chr17:8,006,429, C>T. VCF-style: chr17-8006429-C-T. GRCh37 (hg19) VCF-style: chr17-7909747-C-T.
Other names: short protein forms R365W.
Identifiers: ClinVar variation 197118 (VCV000197118.70), dbSNP rs138836357, ClinGen allele CA245079.

ClinVar aggregate classification (germline): Conflicting classifications of pathogenicity. Review status: criteria provided, conflicting classifications (1 of 4 stars). 12 submissions from 12 submitters: Uncertain significance (8); Likely benign (4). Last evaluated 2026-06-29.

Conditions:
GUCY2D-related disorder. Also called: GUCY2D-related condition.
Cone-rod dystrophy 6 (CORD6). Also called: Cone dystrophy progressive; RETINAL CONE DYSTROPHY 2. Identifiers: Orphanet 1872, MedGen C1866293, MONDO:0011143, OMIM 601777.
Night blindness, congenital stationary, type1i. Also called: NIGHT BLINDNESS, CONGENITAL STATIONARY, TYPE 1I. Identifiers: MedGen C5231408, MONDO:0032811, OMIM 618555.
Leber congenital amaurosis 1 (LCA1). Also called: Congenital absence of the rods and cones; Leber's congenital tapetoretinal degeneration; Leber's congenital tapetoretinal dysplasia; RETINAL BLINDNESS, CONGENITAL; AMAUROSIS CONGENITA OF LEBER I. Identifiers: Orphanet 65, MedGen C2931258, MONDO:0008764, OMIM 204000.
Choroidal dystrophy, central areolar, 1. Identifiers: Orphanet 75377, MedGen C4551884, MONDO:0024539, OMIM 215500.
Retinal dystrophy. Also called: Inherited retinal dystrophy. Identifiers: Orphanet 71862, MedGen C0854723, MeSH D058499, MONDO:0019118, HP:0000556.

Allele frequency attached by ClinVar (database versions not stated): TOPMed 0.00066; gnomAD 0.00069 and 0.00073; ESP Exome Variant Server 0.00077; ExAC 0.00081; gnomAD exomes 0.00085 and 0.00114.
gnomAD v4.1: 1,760 of 1,603,480 alleles (0.11%); highest among the groups gnomAD compares: Middle Eastern, 0.18%; 2 homozygotes.

Submissions (12):

PreventionGenetics, part of Exact Sciences
Classification: Uncertain significance for GUCY2D-related condition. Last evaluated: 2026-06-29. Review status: criteria provided, single submitter. Criteria: ACMG Guidelines, 2015. Collection method: clinical testing. Allele origin: germline.
Comment: The GUCY2D c.1093C>T variant is predicted to result in the amino acid substitution p.Arg365Trp. This variant has been reported in a patient with Leber congenital amaurosis; however, limited information regarding that patient was available (Stone. 2007. PubMed ID: 17964524). Additionally, this variant was reported in the heterozygous state in one patient who presented with Leber congenital amaurosis; the same patient also carried another heterozygous probable causative variant in RPE65 (Astuti et al. 2016. PubMed ID: 26626312). This variant is reported in 0.14% of alleles in individuals of European (Finnish) descent in gnomAD, which may be too frequent to be a primary cause of disease. Although we suspect that this variant may be benign, the clinical significance of this variant is currently classified as uncertain due to the absence of conclusive functional and genetic evidence.

Labcorp Genetics (formerly Invitae), Labcorp
Classification: Likely benign for Leber congenital amaurosis 1; Cone-rod dystrophy 6. Last evaluated: 2026-02-03. Review status: criteria provided, single submitter. Criteria: Invitae Variant Classification Sherloc (09022015). Collection method: clinical testing. Allele origin: germline.

Women's Health and Genetics/Laboratory Corporation of America, LabCorp
Classification: Likely benign. Last evaluated: 2025-11-26. Review status: criteria provided, single submitter. Criteria: LabCorp Variant Classification Summary - May 2015. Collection method: clinical testing. Allele origin: germline.
Comment: Variant summary: GUCY2D c.1093C>T (p.Arg365Trp) results in a non-conservative amino acid change located in the ligand binding region (IPR001828) of the encoded protein sequence. Algorithms developed to predict the effect of missense changes on protein structure and function are either unavailable or do not agree on the potential impact of this missense change. The variant allele was found at a frequency of 0.00085 in 242236 control chromosomes in the gnomAD database, including 2 homozygotes. c.1093C>T has been observed in individuals affected with Leber Congenital Amaurosis/Retinal Dystrophy, however in these cases it has been found either in the heterozygous state, an uninformative genotype, and/or with co-occurring pathogenic variants in other genes (e.g., Stone_2007, Wang_2014, Astuti_2016, Dineiro_2020, Mihalich_2024). These reports do not provide unequivocal conclusions about association of the variant with Leber congenital amaurosis. To our knowledge, no experimental evidence demonstrating an impact on protein function has been reported. The following publications have been ascertained in the context of this evaluation (PMID: 25097241, 26626312, 17964524, 32483926, 38927702). ClinVar contains an entry for this variant (Variation ID: 197118). Based on the evidence outlined above, the variant was classified as likely benign.

Blueprint Genetics
Classification: Likely benign. Last evaluated: 2024-11-27. Review status: criteria provided, single submitter. Criteria: ACMG Guidelines, 2015. Collection method: clinical testing. Allele origin: germline.

Fulgent Genetics
Classification: Uncertain significance for Leber congenital amaurosis 1; Choroidal dystrophy, central areolar, 1; Cone-rod dystrophy 6; Night blindness, congenital stationary, type1i. Last evaluated: 2024-03-14. Review status: criteria provided, single submitter. Criteria: ACMG Guidelines, 2015. Collection method: clinical testing. Allele origin: germline.

CeGaT Center for Human Genetics Tuebingen
Classification: Likely benign. Last evaluated: 2024-02-01. Review status: criteria provided, single submitter. Criteria: CeGaT Center For Human Genetics Tuebingen Variant Classification Criteria Version 2. Collection method: clinical testing. Allele origin: germline. Affected: yes. Observed: 3 variant alleles.
Comment: GUCY2D: BP4, BS1

Mendelics
Classification: Uncertain significance for Cone-rod dystrophy 6. Last evaluated: 2022-10-07. Review status: criteria provided, single submitter. Criteria: Mendelics Assertion Criteria 2017. Collection method: clinical testing. Allele origin: unknown.

Institute of Human Genetics, Univ. Regensburg, Univ. Regensburg
Classification: Uncertain significance for Retinal dystrophy. Last evaluated: 2022-01-01. Review status: criteria provided, single submitter. Criteria: ACMG Guidelines, 2015. Collection method: clinical testing. Allele origin: germline. Affected: yes.

GeneDx
Classification: Uncertain significance. Last evaluated: 2021-09-15. Review status: criteria provided, single submitter. Criteria: GeneDx Variant Classification Process June 2021. Collection method: clinical testing. Allele origin: germline. Affected: yes.
Comment: In silico analysis supports that this missense variant has a deleterious effect on protein structure/function; This variant is associated with the following publications: (PMID: 17964524, 29061346)

Department of Pathology and Laboratory Medicine, Sinai Health System
Classification: Uncertain significance for Leber congenital amaurosis 1; Choroidal dystrophy, central areolar, 1; Cone-rod dystrophy 6; Night blindness, congenital stationary, type1i. Last evaluated: 2021-07-30. Review status: criteria provided, single submitter. Criteria: ACMG Guidelines, 2015. Collection method: research. Allele origin: germline.

ARUP Laboratories, Molecular Genetics and Genomics, ARUP Laboratories
Classification: Uncertain significance. Last evaluated: 2019-04-03. Review status: criteria provided, single submitter. Criteria: ARUP Molecular Germline Variant Investigation Process. Collection method: clinical testing. Allele origin: germline.
Comment: The GUCY2D c.1093C>T; p.Arg365Trp variant (rs138836357) is reported in at least two individuals with retinal dystrophy, but the causality of the variant was not determined (Stone 2007, Wang 2014). The variant is reported in the ClinVar database (Variation ID: 197118) and in the general population with an allele frequency of 0.08% (230/273616 alleles including 2 homozygotes) in the Genome Aggregation Database. The amino acid at this position is highly conserved and computational analyses (SIFT: Benign, PolyPhen-2: Damaging) predict conflicting effects of this variant on protein structure/function. Due to limited information, the clinical significance of the variant is uncertain at this time. References: Stone EM et al. Leber congenital amaurosis - a model for efficient genetic testing of heterogeneous disorders: LXIV Edward Jackson Memorial Lecture. Am J Ophthalmol. 2007 Dec;144(6):791-811. Wang J et al. Dependable and efficient clinical utility of target capture-based deep sequencing in molecular diagnosis of retinitis pigmentosa. Invest Ophthalmol Vis Sci. 2014 Aug 5;55(10):6213-23.

Eurofins Ntd Llc (ga)
Classification: Uncertain significance. Last evaluated: 2018-08-30. Review status: criteria provided, single submitter. Criteria: EGL ClinVar v180209 classification definitions. Collection method: clinical testing. Allele origin: germline. Observed: 1 variant allele, 1 heterozygote.

Literature cited by the submitters: PubMed 25097241 (cited by Women's Health and Genetics/Laboratory Corporation of America, LabCorp); PubMed 26626312 (cited by Women's Health and Genetics/Laboratory Corporation of America, LabCorp); PubMed 17964524 (cited by Women's Health and Genetics/Laboratory Corporation of America, LabCorp and Institute of Human Genetics, Univ. Regensburg, Univ. Regensburg); PubMed 32483926 (cited by Women's Health and Genetics/Laboratory Corporation of America, LabCorp and Institute of Human Genetics, Univ. Regensburg, Univ. Regensburg); PubMed 38927702 (cited by Women's Health and Genetics/Laboratory Corporation of America, LabCorp); PubMed 34426522 (cited by Institute of Human Genetics, Univ. Regensburg, Univ. Regensburg).